The following is an entry in ClinVar:

ClinVar aggregate classification (germline): Uncertain significance. Review status: criteria provided, multiple submitters, no conflicts (2 of 4 stars). 3 submissions from 3 submitters: Uncertain significance (3). Last evaluated 2025-09-14.

Conditions:
CBL-related disorder. Also called: NOONAN SYNDROME-LIKE DISORDER WITHOUT JUVENILE MYELOMONOCYTIC LEUKEMIA; CBL MUTATION-ASSOCIATED SYNDROME; CBL SYNDROME. Identifiers: Orphanet 363972, MedGen C3150803, MONDO:0013308, OMIM 613563.
Cardiovascular phenotype. Identifiers: MedGen CN230736.
RASopathy. Also called: Noonan spectrum disorder; rasopathies. Identifiers: Orphanet 536391, MedGen C5555857, MONDO:0021060.

gnomAD v4.1: 1 of 1,613,794 alleles (0.000062%); highest among the groups gnomAD compares: South Asian, 0.0011%; no homozygotes.

Submissions (3):

Labcorp Genetics (formerly Invitae), Labcorp
Classification: Uncertain significance for RASopathy. Last evaluated: 2025-09-14. Review status: criteria provided, single submitter. Criteria: Invitae Variant Classification Sherloc (09022015). Collection method: clinical testing. Allele origin: germline.
Comment: This sequence change replaces proline, which is neutral and non-polar, with serine, which is neutral and polar, at codon 662 of the CBL protein (p.Pro662Ser). This variant is not present in population databases (gnomAD no frequency). This variant has not been reported in the literature in individuals affected with CBL-related conditions. ClinVar contains an entry for this variant (Variation ID: 2629440). Invitae Evidence Modeling of protein sequence and biophysical properties (such as structural, functional, and spatial information, amino acid conservation, physicochemical variation, residue mobility, and thermodynamic stability) indicates that this missense variant is not expected to disrupt CBL protein function with a negative predictive value of 95%. In summary, the available evidence is currently insufficient to determine the role of this variant in disease. Therefore, it has been classified as a Variant of Uncertain Significance.

Ambry Genetics
Classification: Uncertain significance for Cardiovascular phenotype. Last evaluated: 2025-01-09. Review status: criteria provided, single submitter. Criteria: Ambry Variant Classification Scheme 2023. Collection method: clinical testing. Allele origin: germline.
Comment: The p.P662S variant (also known as c.1984C>T), located in coding exon 12 of the CBL gene, results from a C to T substitution at nucleotide position 1984. The proline at codon 662 is replaced by serine, an amino acid with similar properties. This amino acid position is conserved. In addition, this alteration is predicted to be tolerated by in silico analysis. Based on the available evidence, the clinical significance of this variant remains unclear.

PreventionGenetics, part of Exact Sciences
Classification: Uncertain significance for CBL-related condition. Last evaluated: 2023-09-13. Review status: criteria provided, single submitter. Criteria: ACMG Guidelines, 2015. Collection method: clinical testing. Allele origin: germline.
Comment: The CBL c.1984C>T variant is predicted to result in the amino acid substitution p.Pro662Ser. To our knowledge, this variant has not been reported in the literature or in a large population database, indicating this variant is rare. At this time, the clinical significance of this variant is uncertain due to the absence of conclusive functional and genetic evidence.

NM_005188.4(CBL):c.1984C>T (p.Pro662Ser)

Gene: CBL (Cbl proto-oncogene; plus strand). Cytogenetic location: 11q23.3.
Variant type: single nucleotide variant.
Coding change: c.1984C>T on transcript NM_005188.4 (MANE Select); coding-DNA position 1984, C replaced by T.
Protein change: p.Pro662Ser; replaces proline 662 with serine.
Molecular consequence: missense variant.
Genome position (GRCh38, 1-based): chr11:119,287,894, C>T. VCF-style: chr11-119287894-C-T. GRCh37 (hg19) VCF-style: chr11-119158604-C-T.
Other names: c.1984C>T (NM_005188.2); short protein forms P662S.
Identifiers: ClinVar variation 2629440 (VCV002629440.3), dbSNP rs2496956827, ClinGen allele CA382922515.